The following is an entry in ClinVar:

ClinVar aggregate classification (germline): Uncertain significance. Review status: criteria provided, multiple submitters, no conflicts (2 of 4 stars). 2 submissions from 2 submitters: Uncertain significance (2). Last evaluated 2024-02-15.

Conditions:
Hereditary breast ovarian cancer syndrome. Also called: Hereditary breast and ovarian cancer; Hereditary breast and/or ovarian cancer syndrome; Hereditary breast and ovarian cancer syndrome; Hereditary breast and ovarian cancer syndrome (HBOC); Breast and ovarian cancer; BRCA1- and BRCA2-Associated Hereditary Breast and Ovarian Cancer. Identifiers: Orphanet 145, MedGen C0677776, MeSH D061325, MONDO:0003582. Disease mechanism: loss of function.

Submissions (2):

Labcorp Genetics (formerly Invitae), Labcorp
Classification: Uncertain significance for Hereditary breast ovarian cancer syndrome. Last evaluated: 2024-02-15. Review status: criteria provided, single submitter. Criteria: Invitae Variant Classification Sherloc (09022015). Collection method: clinical testing. Allele origin: germline.
Comment: This sequence change replaces phenylalanine, which is neutral and non-polar, with cysteine, which is neutral and slightly polar, at codon 3289 of the BRCA2 protein (p.Phe3289Cys). This variant is not present in population databases (gnomAD no frequency). This variant has not been reported in the literature in individuals affected with BRCA2-related conditions. ClinVar contains an entry for this variant (Variation ID: 421132). Advanced modeling of protein sequence and biophysical properties (such as structural, functional, and spatial information, amino acid conservation, physicochemical variation, residue mobility, and thermodynamic stability) performed at Invitae indicates that this missense variant is not expected to disrupt BRCA2 protein function with a negative predictive value of 95%. In summary, the available evidence is currently insufficient to determine the role of this variant in disease. Therefore, it has been classified as a Variant of Uncertain Significance.

GeneDx
Classification: Uncertain significance. Last evaluated: 2016-05-04. Review status: criteria provided, single submitter. Criteria: GeneDx Variant Classification (06012015). Collection method: clinical testing. Allele origin: germline. Affected: yes.
Comment: This variant is denoted BRCA2 c.9866T>G at the cDNA level, p.Phe3289Cys (F3289C) at the protein level, and results in the change of a Phenylalanine to a Cysteine (TTT>TGT). Using alternate nomenclature, this variant would be defined as BRCA2 10094T>G. This variant has not, to our knowledge, been published in the literature as pathogenic or benign. BRCA2 Phe3289Cys was not observed in approximately 6,500 individuals of European and African American ancestry in the NHLBI Exome Sequencing Project, suggesting it is not a common benign variant in these populations. Since Phenylalanine and Cysteine differ in polarity, charge, size or other properties, this is considered a non-conservative amino acid substitution. BRCA2 Phe3289Cys occurs at a position that is not conserved and is located in the Cyclin A binding domain (Esashi 2005). In silico analyses are inconsistent regarding the effect this variant may have on protein structure and function. Based on currently available evidence, it is unclear whether BRCA2 Phe3289Cys is a pathogenic or benign variant. We consider it to be a variant of uncertain significance.

NM_000059.4(BRCA2):c.9866T>G (p.Phe3289Cys)

Gene: BRCA2 (BRCA2 DNA repair associated; plus strand). Cytogenetic location: 13q13.1.
Variant type: single nucleotide variant.
Coding change: c.9866T>G on transcript NM_000059.4 (MANE Select); coding-DNA position 9866, T replaced by G.
Protein change: p.Phe3289Cys; replaces phenylalanine 3289 with cysteine.
Molecular consequence: missense variant.
Genome position (GRCh38, 1-based): chr13:32,398,379, T>G. VCF-style: chr13-32398379-T-G. GRCh37 (hg19) VCF-style: chr13-32972516-T-G.
Other names: short protein forms F3289C.
Identifiers: ClinVar variation 421132 (VCV000421132.4), dbSNP rs1064794931, ClinGen allele CA16619797.